The following is an entry in ClinVar:

ClinVar aggregate classification (germline): Pathogenic (1 of 4 stars; one submission).

Conditions:
Kleefstra syndrome 2 (KLEFS2). Identifiers: MedGen C4540395, MONDO:0054701, OMIM 617768.

Submission:

Center for Human Genetics and Genomic Medicine, Uniklinik Rwth Aachen
Classification: Pathogenic for Kleefstra syndrome 2. Last evaluated: 2021-10-13. Review status: criteria provided, single submitter. Criteria: ACMG Guidelines, 2015. Collection method: clinical testing. Allele origin: de novo. Inheritance: Autosomal dominant inheritance. Affected: yes.
Comment: The detected change has not yet been reported in the relevant databases (dbSNP151, gnomAD, ClinVar) or in the literature. It's a frameshift variant in a gene that matches the phenotype of the patient. It's assumed to be a de novo variant (without confirmation of paternity or maternity). The variant is currently to be regarded as a "pathogenic variant" (ACMG criteria).

NM_170606.3(KMT2C):c.6938_6939del (p.Phe2313fs)

Gene: KMT2C (lysine methyltransferase 2C; minus strand). Cytogenetic location: 7q36.1.
Variant type: Deletion.
Coding change: c.6938_6939del on transcript NM_170606.3 (MANE Select); coding-DNA positions 6938 to 6939, 2 bases deleted (TT; older notation c.6938_6939delTT).
Protein change: p.Phe2313fs; shifts the reading frame from phenylalanine 2313.
Molecular consequence: frameshift variant.
Genome position (GRCh38, 1-based): chr7:152,180,921-152,180,922, AA deleted on the plus strand (TT on the coding strand, the reverse complement: KMT2C is on the minus strand); deleting any 2 consecutive bases within chr7:152,180,921-152,180,924 gives the same sequence; the c. name uses the placement nearest the transcript's 3' end. VCF-style (leftmost placement, unchanged base first): chr7-152180920-CAA-C. GRCh37 (hg19) VCF-style: chr7-151878005-CAA-C.
Other names: short protein forms F2313fs.
Identifiers: ClinVar variation 1299749 (VCV001299749.3), dbSNP rs2129119362, ClinGen allele CA2499218832.